The following is an entry in ClinVar:

ClinVar aggregate classification (germline): Likely benign (1 of 4 stars; one submission).

gnomAD v4.1: 4,374 of 1,613,058 alleles (0.27%); highest among the groups gnomAD compares: Admixed American, 0.49%; 9 homozygotes.

Submission:

CeGaT Center for Human Genetics Tuebingen
Classification: Likely benign. Last evaluated: 2026-06-01. Review status: criteria provided, single submitter. Criteria: CeGaT Center For Human Genetics Tuebingen Variant Classification Criteria Version 2. Collection method: clinical testing. Allele origin: germline. Affected: yes. Observed: 2 variant alleles.
Comment: EIF4A2: BP4

NM_001967.4(EIF4A2):c.772-8C>T

Gene: EIF4A2 (eukaryotic translation initiation factor 4A2; plus strand). Cytogenetic location: 3q27.3.
Variant type: single nucleotide variant.
Coding change: c.772-8C>T on transcript NM_001967.4 (MANE Select); 8 bases into the intron before coding-DNA position 772, C replaced by T.
Molecular consequence: intron variant.
Genome position (GRCh38, 1-based): chr3:186,787,119, C>T. VCF-style: chr3-186787119-C-T. GRCh37 (hg19) VCF-style: chr3-186504908-C-T.
Identifiers: ClinVar variation 4871942 (VCV004871942.2).
Genomic context (GRCh38, chr3:186,787,119, plus strand): 5'-GAATGAATTTTTAACTGAAGAGTTGGAAAAACTAAATGACTGTTAACTTTAACTTCTAAA[C>T]ATTACAGGAATGGAAGTTGGATACACTTTGTGACTTGTACGAGACACTGACCATTACACA-3'